The following is an entry in ClinVar:

ClinVar aggregate classification (germline): Conflicting classifications of pathogenicity. Review status: criteria provided, conflicting classifications (1 of 4 stars). 2 submissions from 2 submitters: Uncertain significance (1); Likely benign (1). Last evaluated 2025-03-01.

Conditions:
Hereditary cancer-predisposing syndrome. Also called: Hereditary Cancer Syndrome; Tumor predisposition; Neoplastic Syndromes, Hereditary; Hereditary neoplastic syndrome. Identifiers: Orphanet 140162, MedGen C0027672, MeSH D009386, MONDO:0015356.
Cardiovascular phenotype. Identifiers: MedGen CN230736.
Neurofibromatosis, type 1 (NF1). Also called: Peripheral type neurofibromatosis; NEUROFIBROMATOSIS, TYPE I, SOMATIC; VON RECKLINGHAUSEN DISEASE; Neurofibromatosis, type I. Identifiers: Orphanet 636, MedGen C0027831, MONDO:0018975, OMIM 162200. Disease mechanism: loss of function.

Submissions (2):

Ambry Genetics
Classification: Likely benign for Cardiovascular phenotype; Hereditary cancer-predisposing syndrome. Last evaluated: 2025-03-01. Review status: criteria provided, single submitter. Criteria: Ambry Variant Classification Scheme 2023. Collection method: clinical testing. Allele origin: germline.

Labcorp Genetics (formerly Invitae), Labcorp
Classification: Uncertain significance for Neurofibromatosis, type 1. Last evaluated: 2022-02-25. Review status: criteria provided, single submitter. Criteria: Invitae Variant Classification Sherloc (09022015). Collection method: clinical testing. Allele origin: germline.
Comment: In summary, the available evidence is currently insufficient to determine the role of this variant in disease. Therefore, it has been classified as a Variant of Uncertain Significance. Advanced modeling of protein sequence and biophysical properties (such as structural, functional, and spatial information, amino acid conservation, physicochemical variation, residue mobility, and thermodynamic stability) performed at Invitae indicates that this missense variant is not expected to disrupt NF1 protein function. This variant has not been reported in the literature in individuals affected with NF1-related conditions. This variant is not present in population databases (gnomAD no frequency). This sequence change replaces asparagine, which is neutral and polar, with serine, which is neutral and polar, at codon 29 of the NF1 protein (p.Asn29Ser).

NM_001042492.3(NF1):c.86A>G (p.Asn29Ser)

Gene: NF1 (neurofibromin 1; plus strand). Cytogenetic location: 17q11.2.
Variant type: single nucleotide variant.
Coding change: c.86A>G on transcript NM_001042492.3 (MANE Select); coding-DNA position 86, A replaced by G.
Protein change: p.Asn29Ser; replaces asparagine 29 with serine.
Molecular consequence: missense variant.
Genome position (GRCh38, 1-based): chr17:31,156,008, A>G. VCF-style: chr17-31156008-A-G. GRCh37 (hg19) VCF-style: chr17-29483026-A-G.
Other names: c.86A>G, p.Asn29Ser (NM_001128147.3, NM_000267.4); short protein forms N29S.
Identifiers: ClinVar variation 2103660 (VCV002103660.5), dbSNP rs2544680852, ClinGen allele CA398988165.